The following continues an entry in ClinVar:

NM_000492.4(CFTR):c.579+3A>G

Gene: CFTR. ClinVar aggregate classification (germline): Pathogenic. Pathogenic (1).

Submissions 12 to 19 of 19:

Department of Pathology and Laboratory Medicine, Sinai Health System
Classification: Pathogenic for Hereditary pancreatitis; Bronchiectasis with or without elevated sweat chloride 1; Cystic fibrosis; Congenital bilateral aplasia of vas deferens from CFTR mutation. Last evaluated: 2021-10-27. Review status: criteria provided, single submitter. Criteria: ACMG Guidelines, 2015. Collection method: research. Allele origin: germline. Not counted in ClinVar's aggregate classification.

Institute of Reproductive Genetics, University of Münster
Classification: Pathogenic for Obstructive azoospermia. Last evaluated: 2021-08-23. Review status: criteria provided, single submitter. Criteria: ACMG Guidelines, 2015. Collection method: clinical testing. Allele origin: germline. Affected: yes. Observed: 1 variant allele. Not counted in ClinVar's aggregate classification.

Quest Diagnostics Nichols Institute San Juan Capistrano
Classification: Pathogenic. Last evaluated: 2021-05-18. Review status: criteria provided, single submitter. Criteria: Quest Diagnostics criteria. Collection method: clinical testing. Allele origin: unknown. Not counted in ClinVar's aggregate classification.
Comment: The variant is located in a splice-donor site and interferes with normal CFTR mRNA splicing. It has also been identified as a CF-causing variant in individuals with Cystic Fibrosis (CFMD, PMID: 18456578 (2008), 15486385 (2004), 23974870 (2013), 31523618 (2019)). Furthermore, this variant has been shown to induce aberrant splicing (CFTR2, PMID: 21097845 (2011), 23381846 (2013)) and defective protein CFTR function (PMID 8968585 (1996)). Based on this available information, this variant is classified as pathogenic.

Johns Hopkins Genomics, Johns Hopkins University
Classification: Pathogenic for Cystic fibrosis. Last evaluated: 2020-03-09. Review status: criteria provided, single submitter. Criteria: ACMG Guidelines, 2015. Collection method: clinical testing. Allele origin: germline. Not counted in ClinVar's aggregate classification.
Comment: Disease-causing CFTR variant. See CFTR2 for phenotype information.

Women's Health and Genetics/Laboratory Corporation of America, LabCorp
Classification: Pathogenic for Cystic fibrosis. Last evaluated: 2019-10-07. Review status: criteria provided, single submitter. Criteria: LabCorp Variant Classification Summary - May 2015. Collection method: clinical testing. Allele origin: germline. Not counted in ClinVar's aggregate classification.
Comment: Variant summary: CFTR c.579+3A>G alters a non-conserved nucleotide located close to a canonical splice site and therefore could affect mRNA splicing, leading to a significantly altered protein sequence. Several computational tools predict a significant impact on normal splicing: Two predict that the variant abolishes a 5' splicing donor site. In addition, several publications report experimental evidence that this variant affects mRNA splicing (e.g. Sheridan_2011, Raynal_2013, Sosnay_2013). The variant allele was found at a frequency of 1.6e-05 in 249988 control chromosomes (gnomAD). c.579+3A>G has been reported in the literature in multiple individuals affected with Cystic Fibrosis (e.g. Hughes_1996, Petereska_1998, Gilljam_2004, Krasnov_2008, Sheridan_2011, Sosnay_2013). These data indicate that the variant is very likely to be associated with disease. Four other clinical diagnostic laboratories have submitted clinical-significance assessments for this variant to ClinVar after 2014 without evidence for independent evaluation. All laboratories cited the variant as pathogenic. Based on the evidence outlined above, the variant was classified as pathogenic.

Mendelics
Classification: Pathogenic for Cystic fibrosis. Last evaluated: 2018-11-05. Review status: criteria provided, single submitter. Criteria: Mendelics Assertion Criteria 2017. Collection method: clinical testing. Allele origin: unknown. Affected: yes. Not counted in ClinVar's aggregate classification.

CFTR-France
Classification: Pathogenic for cystic fibrosis; CFTR-related disorders. Last evaluated: 2018-01-29. Review status: criteria provided, single submitter. Criteria: Claustres M et al. (Hum Mutat 2017). Collection method: curation. Allele origin: germline. Affected: yes. Not counted in ClinVar's aggregate classification.
Comment: when the variant is in trans with another CF-causing variation, can either result in CF or in a CFTR-RD

Baylor Genetics
Classification: Pathogenic for Congenital bilateral aplasia of vas deferens from CFTR mutation; Cystic fibrosis. Review status: criteria provided, single submitter. Criteria: ACMG Guidelines, 2015. Collection method: clinical testing. Allele origin: germline. Not counted in ClinVar's aggregate classification.

Literature cited by the submitters: PubMed 7524913 (cited by Labcorp Genetics (formerly Invitae), Labcorp and Quest Diagnostics Nichols Institute San Juan Capistrano); PubMed 18456578 (cited by Labcorp Genetics (formerly Invitae), Labcorp and Quest Diagnostics Nichols Institute San Juan Capistrano); PubMed 21097845 (cited by 5 submitters); PubMed 23974870 (cited by 4 submitters); PubMed 17576681 (cited by Labcorp Genetics (formerly Invitae), Labcorp); PubMed 9536098 (cited by Labcorp Genetics (formerly Invitae), Labcorp); PubMed 25910067 (cited by Otogenetics); PubMed 31523618 (cited by 3 submitters); PubMed 32935393 (cited by Quest Diagnostics Nichols Institute San Juan Capistrano); PubMed 28603918 (cited by Quest Diagnostics Nichols Institute San Juan Capistrano); PubMed 15486385 (cited by Quest Diagnostics Nichols Institute San Juan Capistrano and Women's Health and Genetics/Laboratory Corporation of America, LabCorp); PubMed 8956039 (cited by Quest Diagnostics Nichols Institute San Juan Capistrano and Women's Health and Genetics/Laboratory Corporation of America, LabCorp); PubMed 8968585 (cited by Quest Diagnostics Nichols Institute San Juan Capistrano); PubMed 23381846 (cited by Quest Diagnostics Nichols Institute San Juan Capistrano and Women's Health and Genetics/Laboratory Corporation of America, LabCorp); PubMed 31036917 (cited by Quest Diagnostics Nichols Institute San Juan Capistrano); PubMed 18951463 (cited by Women's Health and Genetics/Laboratory Corporation of America, LabCorp); PubMed 9788722 (cited by Women's Health and Genetics/Laboratory Corporation of America, LabCorp).